The following is an entry in ClinVar:

NM_000165.5(GJA1):c.962G>T (p.Gly321Val)

Gene: GJA1 (gap junction protein alpha 1; plus strand). Cytogenetic location: 6q22.31.
Variant type: single nucleotide variant.
Coding change: c.962G>T on transcript NM_000165.5 (MANE Select); coding-DNA position 962, G replaced by T.
Protein change: p.Gly321Val; replaces glycine 321 with valine.
Molecular consequence: missense variant.
Genome position (GRCh38, 1-based): chr6:121,447,809, G>T. VCF-style: chr6-121447809-G-T. GRCh37 (hg19) VCF-style: chr6-121768955-G-T.
Other names: short protein forms G321V.
Identifiers: ClinVar variation 931473 (VCV000931473.11), dbSNP rs1294212392, ClinGen allele CA365560166.
Genomic context (GRCh38, chr6:121,447,809, plus strand): 5'-ACAACAAGCAAGCAAGTGAGCAAAACTGGGCTAATTACAGTGCAGAACAAAATCGAATGG[G>T]GCAGGCGGGAAGCACCATCTCTAACTCCCATGCACAGCCTTTTGATTTCCCCGATGATAA-3'
Protein context (NP_000156.1, residues 311-331): ANYSAEQNRM[Gly321Val]QAGSTISNSH

ClinVar aggregate classification (germline): Uncertain significance. Review status: criteria provided, multiple submitters, no conflicts (2 of 4 stars). 3 submissions from 3 submitters: Uncertain significance (2). 1 of the submissions does not count toward it. Last evaluated 2025-03-02.

Conditions:
Atrioventricular septal defect and common atrioventricular junction. Also called: Atrioventricular septal defect 3. Identifiers: MedGen C0344783.
Oculodentodigital dysplasia, autosomal recessive. Also called: OCULODENTOOSSEOUS DYSPLASIA, AUTOSOMAL RECESSIVE; ODDD, AUTOSOMAL RECESSIVE; ODOD, AUTOSOMAL RECESSIVE. Identifiers: Orphanet 2710, MedGen C2749477, MONDO:0009768, OMIM 257850.
GJA1-related disorder. Also called: GJA1-related condition.

Allele frequency attached by ClinVar (database versions not stated): gnomAD 0.00001; gnomAD exomes 0.00001 and 0.00002; TOPMed 0.00002.

Submissions (3):

Labcorp Genetics (formerly Invitae), Labcorp
Classification: Uncertain significance for Oculodentodigital dysplasia, autosomal recessive. Last evaluated: 2025-03-02. Review status: criteria provided, single submitter. Criteria: Invitae Variant Classification Sherloc (09022015). Collection method: clinical testing. Allele origin: germline.
Comment: This sequence change replaces glycine, which is neutral and non-polar, with valine, which is neutral and non-polar, at codon 321 of the GJA1 protein (p.Gly321Val). The frequency data for this variant in the population databases is considered unreliable, as metrics indicate poor data quality at this position in the gnomAD database. This missense change has been observed in individual(s) with non-syndromic glaucoma (PMID: 30653986). ClinVar contains an entry for this variant (Variation ID: 931473). Invitae Evidence Modeling of protein sequence and biophysical properties (such as structural, functional, and spatial information, amino acid conservation, physicochemical variation, residue mobility, and thermodynamic stability) has been performed for this missense variant. However, the output from this modeling did not meet the statistical confidence thresholds required to predict the impact of this variant on GJA1 protein function. In summary, the available evidence is currently insufficient to determine the role of this variant in disease. Therefore, it has been classified as a Variant of Uncertain Significance.

Centre for Mendelian Genomics, University Medical Centre Ljubljana
Classification: Uncertain significance for Atrioventricular septal defect. Last evaluated: 2019-04-03. Review status: criteria provided, single submitter. Criteria: ACMG Guidelines, 2015. Collection method: clinical testing. Allele origin: unknown. Affected: yes.
Comment: This variant was classified as: Uncertain significance. The available evidence on this variant's pathogenicity is insufficient or conflicting. The following ACMG criteria were applied in classifying this variant: PP2,PP3.

PreventionGenetics, part of Exact Sciences
Classification: Uncertain significance for GJA1-related condition. Last evaluated: 2023-11-29. Review status: no assertion criteria provided. Collection method: clinical testing. Allele origin: germline. Not counted in ClinVar's aggregate classification.
Comment: The GJA1 c.962G>T variant is predicted to result in the amino acid substitution p.Gly321Val. To our knowledge, this variant has not been reported in a patient with a GJA1 related disorder. This variant is reported in 0.0023% of alleles in individuals of European (Non-Finnish) descent in gnomAD. At this time, the clinical significance of this variant is uncertain due to the absence of conclusive functional and genetic evidence.

Literature cited by the submitters: PubMed 30653986 (cited by Labcorp Genetics (formerly Invitae), Labcorp).